The following is an entry in ClinVar:

NM_203446.3(SYNJ1):c.3589-1G>A

Gene: SYNJ1 (synaptojanin 1; minus strand). Cytogenetic location: 21q22.11.
Variant type: single nucleotide variant.
Coding change: c.3589-1G>A on transcript NM_203446.3 (MANE Select); the canonical splice acceptor site of the intron before coding-DNA position 3589, G replaced by A.
Molecular consequence: splice acceptor variant.
Genome position (GRCh38, 1-based): chr21:32,639,780, C>T on the plus strand (G>A on the coding strand, the complement: SYNJ1 is on the minus strand). VCF-style: chr21-32639780-C-T. GRCh37 (hg19) VCF-style: chr21-34012090-C-T.
Other names: c.3706-1G>A (NM_003895.4); c.3541-1G>A (NM_001160302.2); c.3448-1G>A (NM_001160306.2).
Identifiers: ClinVar variation 2944868 (VCV002944868.3), dbSNP rs2517368826, ClinGen allele CA410088055.
Genomic context (GRCh38, chr21:32,639,780, plus strand): 5'-AGCAGATGCCCGCGCGTGGCTCTGTGGGGCACTGATAACTCCAGCACGAGGAGGAATCGT[C>T]TACAGATAGGAAACATAACACTTGAGACATTTACTTACCTTCCACAGGTAAAATTCTGTG-3'

ClinVar aggregate classification (germline): Likely pathogenic (1 of 4 stars; one submission).

Conditions:
Early-onset Parkinson disease 20. Also called: PARKINSON DISEASE 20, AUTOSOMAL RECESSIVE EARLY-ONSET. Identifiers: Orphanet 391411, MedGen C3809824, MONDO:0014233, OMIM 615530.
Developmental and epileptic encephalopathy, 53. Also called: Epileptic encephalopathy, early infantile, 53. Identifiers: MedGen C4479313, MONDO:0033362, OMIM 617389.

Submission:

Labcorp Genetics (formerly Invitae), Labcorp
Classification: Likely pathogenic for Developmental and epileptic encephalopathy, 53; Early-onset Parkinson disease 20. Last evaluated: 2023-03-01. Review status: criteria provided, single submitter. Criteria: Invitae Variant Classification Sherloc (09022015). Collection method: clinical testing. Allele origin: germline.
Comment: This variant has not been reported in the literature in individuals affected with SYNJ1-related conditions. Algorithms developed to predict the effect of sequence changes on RNA splicing suggest that this variant may disrupt the consensus splice site. In summary, the currently available evidence indicates that the variant is pathogenic, but additional data are needed to prove that conclusively. Therefore, this variant has been classified as Likely Pathogenic. This sequence change affects an acceptor splice site in intron 29 of the SYNJ1 gene. It is expected to disrupt RNA splicing. Variants that disrupt the donor or acceptor splice site typically lead to a loss of protein function (PMID: 16199547), and loss-of-function variants in SYNJ1 are known to be pathogenic (PMID: 25316601, 27435091). This variant is not present in population databases (gnomAD no frequency).

Literature cited by the submitters: PubMed 16199547; PubMed 25316601; PubMed 27435091.